The following is an entry in ClinVar:

ClinVar aggregate classification (germline): Uncertain significance. Review status: criteria provided, multiple submitters, no conflicts (2 of 4 stars). 2 submissions from 2 submitters: Uncertain significance (2). Last evaluated 2025-07-28.

Conditions:
Hereditary cancer-predisposing syndrome. Also called: Hereditary Cancer Syndrome; Hereditary neoplastic syndrome; Tumor predisposition; Neoplastic Syndromes, Hereditary. Identifiers: Orphanet 140162, MedGen C0027672, MeSH D009386, MONDO:0015356.
Carney-Stratakis syndrome. Also called: PARAGANGLIOMA AND GASTROINTESTINAL STROMAL TUMOR. Identifiers: Orphanet 97286, MedGen C1847319, MONDO:0011740, OMIM 606864.
Pheochromocytoma. Also called: MAX-Related Hereditary Paraganglioma-Pheochromocytoma Syndrome. Identifiers: Orphanet 29072, MedGen C0031511, MONDO:0008233, OMIM 171300, HP:0002666.
Paragangliomas with sensorineural hearing loss. Identifiers: MedGen C1868633.
Cowden syndrome 3 (CWS3). Identifiers: Orphanet 201, MedGen CN166604, MONDO:0014045.

Submissions (2):

Ambry Genetics
Classification: Uncertain significance for Hereditary cancer-predisposing syndrome. Last evaluated: 2025-07-28. Review status: criteria provided, single submitter. Criteria: Ambry Variant Classification Scheme 2023. Collection method: clinical testing. Allele origin: germline.
Comment: The p.P24L variant (also known as c.71C>T), located in coding exon 2 of the SDHD gene, results from a C to T substitution at nucleotide position 71. The proline at codon 24 is replaced by leucine, an amino acid with similar properties. This amino acid position is conserved. In addition, the in silico prediction for this alteration is inconclusive. Based on the available evidence, the clinical significance of this variant remains unclear.

Labcorp Genetics (formerly Invitae), Labcorp
Classification: Uncertain significance for Carney-Stratakis syndrome; Paragangliomas with sensorineural hearing loss; Pheochromocytoma; Cowden syndrome 3. Last evaluated: 2021-09-28. Review status: criteria provided, single submitter. Criteria: Invitae Variant Classification Sherloc (09022015). Collection method: clinical testing. Allele origin: germline.
Comment: In summary, the available evidence is currently insufficient to determine the role of this variant in disease. Therefore, it has been classified as a Variant of Uncertain Significance. Advanced modeling of protein sequence and biophysical properties (such as structural, functional, and spatial information, amino acid conservation, physicochemical variation, residue mobility, and thermodynamic stability) performed at Invitae indicates that this missense variant is not expected to disrupt SDHD protein function. This variant has not been reported in the literature in individuals affected with SDHD-related conditions. This variant is not present in population databases (ExAC no frequency). This sequence change replaces proline with leucine at codon 24 of the SDHD protein (p.Pro24Leu). The proline residue is weakly conserved and there is a moderate physicochemical difference between proline and leucine.

NM_003002.4(SDHD):c.71C>T (p.Pro24Leu)

Gene: SDHD (succinate dehydrogenase complex subunit D; plus strand). Cytogenetic location: 11q23.1.
Variant type: single nucleotide variant.
Coding change: c.71C>T on transcript NM_003002.4 (MANE Select); coding-DNA position 71, C replaced by T.
Protein change: p.Pro24Leu; replaces proline 24 with leucine.
Molecular consequence: missense variant. On other transcripts: non-coding transcript variant (1), intron variant (1).
Genome position (GRCh38, 1-based): chr11:112,087,875, C>T. VCF-style: chr11-112087875-C-T. GRCh37 (hg19) VCF-style: chr11-111958599-C-T.
Other names: c.71C>T (NM_003002.2); c.71C>T, p.Pro24Leu (NM_001276503.2, NM_001276506.2); c.52+916C>T (NM_001276504.2); short protein forms P24L.
Identifiers: ClinVar variation 1397142 (VCV001397142.7), dbSNP rs1865651909, ClinGen allele CA382616937.